The following is an entry in ClinVar:

NM_001276345.2(TNNT2):c.869del (p.Lys290fs)

Gene: TNNT2 (troponin T2, cardiac type; minus strand). Cytogenetic location: 1q32.1.
Variant type: Deletion.
Coding change: c.869del on transcript NM_001276345.2 (MANE Select); coding-DNA position 869, one base deleted (A; older notation c.869delA).
Protein change: p.Lys290fs; shifts the reading frame from lysine 290.
Molecular consequence: frameshift variant.
Genome position (GRCh38, 1-based): chr1:201,359,238, T deleted on the plus strand (A on the coding strand, the reverse complement: TNNT2 is on the minus strand); the first of 2 consecutive T bases (chr1:201,359,238-201,359,239); deleting either gives the same sequence. VCF-style (leftmost placement, unchanged base first): chr1-201359237-CT-C. GRCh37 (hg19) VCF-style: chr1-201328365-CT-C.
Other names: c.860del, p.Lys287fs (NM_000364.4, NM_001406723.1); c.839del, p.Lys280fs (NM_001001430.3, NM_001276347.2, NM_001406724.1); c.830del, p.Lys277fs (NM_001001431.3, NM_001406726.1, NM_001406727.1); c.821del, p.Lys274fs (NM_001001432.3); c.740del, p.Lys247fs (NM_001276346.2); c.836del, p.Lys279fs (NM_001406725.1); c.824del, p.Lys275fs (NM_001406728.1); short protein forms K277fs, K280fs, K247fs, K274fs, K279fs, K275fs, K287fs, K290fs.
Identifiers: ClinVar variation 4786751 (VCV004786751.1).
Genomic context (GRCh38, chr1:201,359,237, plus strand): 5'-GAGGAGCAGATCTTTGGTGAAGGAGGCCAGGCTCTATTTCCAGCGCCCGGTGACTTTAGC[CT>C]TCCCGCGGGTCTTGGAGCTGCAGGGGAAGCAGGACGCAGTGACATGGAGACACAGGCAGG-3'

ClinVar aggregate classification (germline): Uncertain significance (1 of 4 stars; one submission).

Conditions:
Dilated cardiomyopathy 1D. Identifiers: Orphanet 154, Orphanet 54260, MedGen C1832243, MONDO:0011095, OMIM 601494.
Hypertrophic cardiomyopathy 2. Also called: TNNT2-Related Familial Hypertrophic Cardiomyopathy. Identifiers: MedGen C1861864, MONDO:0007266, OMIM 115195.
Cardiomyopathy, familial restrictive, 3. Identifiers: Orphanet 75249, MedGen C2676271, MONDO:0012900, OMIM 612422.

Submission:

Labcorp Genetics (formerly Invitae), Labcorp
Classification: Uncertain significance for Cardiomyopathy, familial restrictive, 3; Hypertrophic cardiomyopathy 2; Dilated cardiomyopathy 1D. Last evaluated: 2025-11-24. Review status: criteria provided, single submitter. Criteria: Invitae Variant Classification Sherloc (09022015). Collection method: clinical testing. Allele origin: germline.
Comment: This sequence change is expected to alter the c-terminus of the TNNT2 protein (p.Lys280Argfs*68). While this is not anticipated to result in nonsense mediated decay, it is expected to disrupt the last 9 amino acid(s) of the TNNT2 protein and extend the protein by 58 additional amino acid residues. This variant is not present in population databases (gnomAD no frequency). This variant has not been reported in the literature in individuals affected with TNNT2-related conditions. Experimental studies and prediction algorithms are not available or were not evaluated, and the functional significance of this variant is currently unknown. In summary, the available evidence is currently insufficient to determine the role of this variant in disease. Therefore, it has been classified as a Variant of Uncertain Significance.